The following is an entry in ClinVar:

NM_001267550.2(TTN):c.36532+19A>G

Gene: TTN (titin; minus strand). Cytogenetic location: 2q31.2.
Variant type: single nucleotide variant.
Coding change: c.36532+19A>G on transcript NM_001267550.2 (MANE Select); 19 bases into the intron after coding-DNA position 36532, A replaced by G.
Molecular consequence: intron variant.
Genome position (GRCh38, 1-based): chr2:178,663,608, T>C on the plus strand (A>G on the coding strand, the complement: TTN is on the minus strand). VCF-style: chr2-178663608-T-C. GRCh37 (hg19) VCF-style: chr2-179528335-T-C.
Other names: c.13283-21291A>G (NM_003319.4); c.13859-21291A>G (NM_133437.4); c.13658-21291A>G (NM_133432.3); c.31484-553A>G (NM_133378.4); c.34265-553A>G (NM_001256850.1).
Identifiers: ClinVar variation 672617 (VCV000672617.13), dbSNP rs10204913, ClinGen allele CA1997422.

ClinVar aggregate classification (germline): Benign. Review status: criteria provided, multiple submitters, no conflicts (2 of 4 stars). 5 submissions from 5 submitters: Benign (3). 2 of the submissions do not count toward it. Last evaluated 2026-02-04.

Conditions:
Dilated cardiomyopathy 1G (CMD1G). Identifiers: Orphanet 154, MedGen C1858763, MONDO:0011400, OMIM 604145.
Autosomal recessive limb-girdle muscular dystrophy type 2J (LGMDR10). Also called: MUSCULAR DYSTROPHY, LIMB-GIRDLE, AUTOSOMAL RECESSIVE 10; Limb-girdle muscular dystrophy, type 2J. Identifiers: Orphanet 140922, MedGen C1837342, MONDO:0012127, OMIM 608807.

Allele frequency attached by ClinVar (database versions not stated): ESP Exome Variant Server 0.01884; gnomAD 0.03369 and 0.03833; TOPMed 0.03917; ExAC 0.06110; 1000 Genomes Project 30x 0.06855; 1000 Genomes Project 0.06989.
gnomAD v4.1: 59,490 of 1,613,782 alleles (3.7%); highest among the groups gnomAD compares: Admixed American, 17%; 2,793 homozygotes.

Submissions (5):

Labcorp Genetics (formerly Invitae), Labcorp
Classification: Benign for Dilated cardiomyopathy 1G; Autosomal recessive limb-girdle muscular dystrophy type 2J. Last evaluated: 2026-02-04. Review status: criteria provided, single submitter. Criteria: Invitae Variant Classification Sherloc (09022015). Collection method: clinical testing. Allele origin: germline.

GeneDx
Classification: Benign. Last evaluated: 2018-06-16. Review status: criteria provided, single submitter. Criteria: GeneDx Variant Classification (06012015). Collection method: clinical testing. Allele origin: germline. Affected: yes.
Comment: This variant is considered likely benign or benign based on one or more of the following criteria: it is a conservative change, it occurs at a poorly conserved position in the protein, it is predicted to be benign by multiple in silico algorithms, and/or has population frequency not consistent with disease.

Breakthrough Genomics
Classification: Benign. Review status: criteria provided, single submitter. Criteria: ACMG Guidelines, 2015. Collection method: not provided. Allele origin: germline. Inheritance: Autosomal recessive inheritance. Affected: yes.

Clinical Genetics DNA and cytogenetics Diagnostics Lab, Erasmus MC, Erasmus Medical Center
Classification: Benign. Review status: no assertion criteria provided. Collection method: clinical testing. Allele origin: germline. Affected: yes. Study: VKGL Data-share Consensus. Not counted in ClinVar's aggregate classification.

Clinical Genetics, Academic Medical Center
Classification: Benign. Review status: no assertion criteria provided. Collection method: clinical testing. Allele origin: germline. Affected: yes. Study: VKGL Data-share Consensus. Not counted in ClinVar's aggregate classification.